The following is an entry in ClinVar:

NM_005787.6(ALG3):c.79C>G (p.Arg27Gly)

Gene: ALG3 (ALG3 alpha-1,3- mannosyltransferase; minus strand). Cytogenetic location: 3q27.1.
Variant type: single nucleotide variant.
Coding change: c.79C>G on transcript NM_005787.6 (MANE Select); coding-DNA position 79, C replaced by G.
Protein change: p.Arg27Gly; replaces arginine 27 with glycine.
Molecular consequence: missense variant. On other transcripts: non-coding transcript variant (2), intron variant (1).
Genome position (GRCh38, 1-based): chr3:184,248,862, G>C on the plus strand (C>G on the coding strand, the complement: ALG3 is on the minus strand). VCF-style: chr3-184248862-G-C. GRCh37 (hg19) VCF-style: chr3-183966650-G-C.
Other names: c.11C>G, p.Ala4Gly (NM_001006942.1); c.52+364C>G (NM_001006941.2); c.79C>G (NM_005787.5); short protein forms R27G, A4G.
Identifiers: ClinVar variation 2181576 (VCV002181576.5), dbSNP rs751710887, ClinGen allele CA2729651.
Genomic context (GRCh38, chr3:184,248,862, plus strand): 5'-CGGCCACCAGCAGCGTGTAGCGCGGCTCCCGCAGCAGCAGGCGCCGCTCTTGCCAGGCGC[G>C]CTGCAGCCATTGCTTGCAGAGTCCCTCTGCCTGGGCCGCGGAACCGGACCGGCCGCGTTT-3'
Protein context (NP_005778.1, residues 17-37): AEGLCKQWLQ[Arg27Gly]AWQERRLLLR

ClinVar aggregate classification (germline): Uncertain significance. Review status: criteria provided, multiple submitters, no conflicts (2 of 4 stars). 2 submissions from 2 submitters: Uncertain significance (2). Last evaluated 2025-06-18.

Conditions:
Inborn genetic diseases. Identifiers: MedGen C0950123, MeSH D030342.
ALG3-congenital disorder of glycosylation. Also called: CDG Id; CARBOHYDRATE-DEFICIENT GLYCOPROTEIN SYNDROME, TYPE IV; CDGS, TYPE IV; ALG3-CDG; CONGENITAL DISORDER OF GLYCOSYLATION, TYPE Id. Identifiers: Orphanet 79321, MedGen C1832736, MONDO:0010998, OMIM 601110.

Allele frequency attached by ClinVar (database versions not stated): ExAC 0.00001; gnomAD 0.00001; TOPMed 0.00002.
gnomAD v4.1: 19 of 1,606,682 alleles (0.0012%); highest among the groups gnomAD compares: African/African-American, 0.0013%; no homozygotes.

Submissions (2):

Ambry Genetics
Classification: Uncertain significance for Inborn genetic diseases. Last evaluated: 2025-06-18. Review status: criteria provided, single submitter. Criteria: Ambry Variant Classification Scheme 2023. Collection method: clinical testing. Allele origin: germline.

Labcorp Genetics (formerly Invitae), Labcorp
Classification: Uncertain significance for ALG3-congenital disorder of glycosylation. Last evaluated: 2022-06-17. Review status: criteria provided, single submitter. Criteria: Invitae Variant Classification Sherloc (09022015). Collection method: clinical testing. Allele origin: germline.
Comment: In summary, the available evidence is currently insufficient to determine the role of this variant in disease. Therefore, it has been classified as a Variant of Uncertain Significance. Algorithms developed to predict the effect of missense changes on protein structure and function (SIFT, PolyPhen-2, Align-GVGD) all suggest that this variant is likely to be tolerated. This variant has not been reported in the literature in individuals affected with ALG3-related conditions. This variant is present in population databases (rs751710887, gnomAD 0.002%). This sequence change replaces arginine, which is basic and polar, with glycine, which is neutral and non-polar, at codon 27 of the ALG3 protein (p.Arg27Gly).